The following is an entry in ClinVar:

ClinVar aggregate classification (germline): Uncertain significance. Review status: criteria provided, multiple submitters, no conflicts (2 of 4 stars). 2 submissions from 2 submitters: Uncertain significance (2). Last evaluated 2026-02-14.

Conditions:
TNFRSF1A-related disorder. Also called: TNFRSF1A-related condition.
TNF receptor-associated periodic fever syndrome (TRAPS) (FPF). Also called: TNF receptor 1-associated periodic fever syndrome; FAMILIAL HIBERNIAN FEVER; Autosomal Dominant Familial Periodic Fever; TNF Receptor-Associated Periodic Fever Syndrome; TNF RECEPTOR-ASSOCIATED PERIODIC SYNDROME; TUMOR NECROSIS FACTOR RECEPTOR-ASSOCIATED PERIODIC SYNDROME. Identifiers: Orphanet 32960, MedGen C1275126, MONDO:0007727, OMIM 142680.

Submissions (2):

PreventionGenetics, part of Exact Sciences
Classification: Uncertain significance for TNFRSF1A-related condition. Last evaluated: 2026-02-14. Review status: criteria provided, single submitter. Criteria: ACMG Guidelines, 2015. Collection method: clinical testing. Allele origin: germline.
Comment: The TNFRSF1A c.82A>G variant is predicted to result in the amino acid substitution p.Ile28Val. To our knowledge, this variant has not been reported in the literature or in a large population database (gnomAD), indicating this variant is rare. At this time, the clinical significance of this variant is uncertain due to the absence of conclusive functional and genetic evidence.

Labcorp Genetics (formerly Invitae), Labcorp
Classification: Uncertain significance for TNF receptor-associated periodic fever syndrome (TRAPS). Last evaluated: 2024-02-23. Review status: criteria provided, single submitter. Criteria: Invitae Variant Classification Sherloc (09022015). Collection method: clinical testing. Allele origin: germline.
Comment: This sequence change replaces isoleucine, which is neutral and non-polar, with valine, which is neutral and non-polar, at codon 28 of the TNFRSF1A protein (p.Ile28Val). This variant is not present in population databases (gnomAD no frequency). This variant has not been reported in the literature in individuals affected with TNFRSF1A-related conditions. Advanced modeling of protein sequence and biophysical properties (such as structural, functional, and spatial information, amino acid conservation, physicochemical variation, residue mobility, and thermodynamic stability) performed at Invitae indicates that this missense variant is not expected to disrupt TNFRSF1A protein function with a negative predictive value of 95%. In summary, the available evidence is currently insufficient to determine the role of this variant in disease. Therefore, it has been classified as a Variant of Uncertain Significance.

NM_001065.4(TNFRSF1A):c.82A>G (p.Ile28Val)

Gene: TNFRSF1A (TNF receptor superfamily member 1A; minus strand). Cytogenetic location: 12p13.31.
Variant type: single nucleotide variant.
Coding change: c.82A>G on transcript NM_001065.4 (MANE Select); coding-DNA position 82, A replaced by G.
Protein change: p.Ile28Val; replaces isoleucine 28 with valine.
Molecular consequence: missense variant. On other transcripts: 5 prime UTR variant (1), non-coding transcript variant (1), intron variant (1).
Genome position (GRCh38, 1-based): chr12:6,334,202, T>C on the plus strand (A>G on the coding strand, the complement: TNFRSF1A is on the minus strand). VCF-style: chr12-6334202-T-C. GRCh37 (hg19) VCF-style: chr12-6443368-T-C.
Other names: c.-496A>G (NM_001346092.2); c.-131-337A>G (NM_001346091.2); short protein forms I28V.
Identifiers: ClinVar variation 3709819 (VCV003709819.3).